The following is an entry in ClinVar:

NM_001164665.2(KIAA1549):c.5077G>A (p.Asp1693Asn)

Gene: KIAA1549 (KIAA1549; minus strand). Cytogenetic location: 7q34.
Variant type: single nucleotide variant.
Coding change: c.5077G>A on transcript NM_001164665.2 (MANE Select); coding-DNA position 5077, G replaced by A.
Protein change: p.Asp1693Asn; replaces aspartic acid 1693 with asparagine.
Molecular consequence: missense variant.
Genome position (GRCh38, 1-based): chr7:138,861,309, C>T on the plus strand (G>A on the coding strand, the complement: KIAA1549 is on the minus strand). VCF-style: chr7-138861309-C-T. GRCh37 (hg19) VCF-style: chr7-138546055-C-T.
Other names: c.5077G>A, p.Asp1693Asn (NM_020910.3); short protein forms D1693N.
Identifiers: ClinVar variation 2021192 (VCV002021192.4), dbSNP rs968836584, ClinGen allele CA167144138.

ClinVar aggregate classification (germline): Uncertain significance (1 of 4 stars; one submission).

Allele frequency attached by ClinVar (database versions not stated): gnomAD exomes 0.00001; TOPMed 0.00001.

Submission:

Labcorp Genetics (formerly Invitae), Labcorp
Classification: Uncertain significance. Last evaluated: 2022-06-04. Review status: criteria provided, single submitter. Criteria: Invitae Variant Classification Sherloc (09022015). Collection method: clinical testing. Allele origin: germline.
Comment: This variant is present in population databases (no rsID available, gnomAD 0.003%). This sequence change replaces aspartic acid, which is acidic and polar, with asparagine, which is neutral and polar, at codon 1693 of the KIAA1549 protein (p.Asp1693Asn). This variant has not been reported in the literature in individuals affected with KIAA1549-related conditions. Algorithms developed to predict the effect of missense changes on protein structure and function are either unavailable or do not agree on the potential impact of this missense change (SIFT: "Deleterious"; PolyPhen-2: "Probably Damaging"; Align-GVGD: "Class C15"). In summary, the available evidence is currently insufficient to determine the role of this variant in disease. Therefore, it has been classified as a Variant of Uncertain Significance.